The following is an entry in ClinVar:

NM_006648.4(WNK2):c.4492C>G (p.Pro1498Ala)

Gene: WNK2 (WNK lysine deficient protein kinase 2; plus strand). Cytogenetic location: 9q22.31.
Variant type: single nucleotide variant.
Coding change: c.4492C>G on transcript NM_006648.4 (MANE Select); coding-DNA position 4492, C replaced by G.
Protein change: p.Pro1498Ala; replaces proline 1498 with alanine.
Molecular consequence: missense variant.
Genome position (GRCh38, 1-based): chr9:93,289,246, C>G. VCF-style: chr9-93289246-C-G. GRCh37 (hg19) VCF-style: chr9-96051528-C-G.
Other names: c.4603C>G, p.Pro1535Ala (NM_001282394.3); short protein forms P1535A, P1498A.
Identifiers: ClinVar variation 4866610 (VCV004866610.1).
Genomic context (GRCh38, chr9:93,289,246, plus strand): 5'-CCTGCACCTGAGCCCAGCCCCCACAGCGGGACCCCACAGCCCGCCTTGGGTCAACCTGCT[C>G]CCCTGCTTCCTGCCGCAGTGGGGGCCGTCAGCCTGGCCACCTCCCAGCTCCCAAGCCCAC-3'
Protein context (NP_006639.3, residues 1488-1508): TPQPALGQPA[Pro1498Ala]LLPAAVGAVS

ClinVar aggregate classification (germline): Uncertain significance (1 of 4 stars; one submission).

Submission:

Ambry Genetics
Classification: Uncertain significance. Last evaluated: 2026-04-22. Review status: criteria provided, single submitter. Criteria: Ambry Variant Classification Scheme 2023. Collection method: clinical testing. Allele origin: germline.
Comment: The p.P1498A variant (also known as c.4492C>G), located in coding exon 19 of the WNK2 gene, results from a C to G substitution at nucleotide position 4492. The proline at codon 1498 is replaced by alanine, an amino acid with highly similar properties. This amino acid position is conserved. In addition, this alteration is predicted to be tolerated by in silico analysis. Based on the available evidence, the clinical significance of this variant remains unclear.